The following is an entry in ClinVar:

NM_004168.4(SDHA):c.840C>G (p.Ile280Met)

Gene: SDHA (succinate dehydrogenase complex flavoprotein subunit A; plus strand). Cytogenetic location: 5p15.33.
Variant type: single nucleotide variant.
Coding change: c.840C>G on transcript NM_004168.4 (MANE Select); coding-DNA position 840, C replaced by G.
Protein change: p.Ile280Met; replaces isoleucine 280 with methionine.
Molecular consequence: missense variant.
Genome position (GRCh38, 1-based): chr5:230,945, C>G. VCF-style: chr5-230945-C-G. GRCh37 (hg19) VCF-style: chr5-231060-C-G.
Other names: c.696C>G, p.Ile232Met (NM_001294332.2); c.840C>G, p.Ile280Met (NM_001330758.2); short protein forms I280M, I232M.
Identifiers: ClinVar variation 1361586 (VCV001361586.8), dbSNP rs2126568400, ClinGen allele CA359011793.
Genomic context (GRCh38, chr5:230,945, plus strand): 5'-GCGCACCTACTTCAGCTGCACGTCTGCCCACACCAGCACTGGCGACGGCACGGCCATGAT[C>G]ACCAGGGCAGGCCTTCCTTGCCAGGACCTAGAGTTTGTTCAGTTCCACCCTACAGGTAGG-3'
Protein context (NP_004159.2, residues 270-290): HTSTGDGTAM[Ile280Met]TRAGLPCQDL

ClinVar aggregate classification (germline): Uncertain significance (1 of 4 stars; one submission).

Conditions:
Mitochondrial complex II deficiency, nuclear type 1. Also called: SUCCINATE CoQ REDUCTASE DEFICIENCY. Identifiers: Orphanet 3208, MedGen C5700310, MONDO:0100294, OMIM 252011.
Pheochromocytoma/paraganglioma syndrome 5. Also called: Paragangliomas 5; SDHA-Related Hereditary Paraganglioma-Pheochromocytoma Syndrome. Identifiers: Orphanet 29072, MedGen C3279992, MONDO:0013602, OMIM 614165.

Submission:

Labcorp Genetics (formerly Invitae), Labcorp
Classification: Uncertain significance for Pheochromocytoma/paraganglioma syndrome 5; Mitochondrial complex II deficiency, nuclear type 1. Last evaluated: 2025-01-15. Review status: criteria provided, single submitter. Criteria: Invitae Variant Classification Sherloc (09022015). Collection method: clinical testing. Allele origin: germline.
Comment: This sequence change replaces isoleucine, which is neutral and non-polar, with methionine, which is neutral and non-polar, at codon 280 of the SDHA protein (p.Ile280Met). This variant is not present in population databases (gnomAD no frequency). This variant has not been reported in the literature in individuals affected with SDHA-related conditions. ClinVar contains an entry for this variant (Variation ID: 1361586). Invitae Evidence Modeling of protein sequence and biophysical properties (such as structural, functional, and spatial information, amino acid conservation, physicochemical variation, residue mobility, and thermodynamic stability) indicates that this missense variant is not expected to disrupt SDHA protein function with a negative predictive value of 95%. In summary, the available evidence is currently insufficient to determine the role of this variant in disease. Therefore, it has been classified as a Variant of Uncertain Significance.